The following is an entry in ClinVar:

NM_000059.4(BRCA2):c.587G>T (p.Ser196Ile)

Gene: BRCA2 (BRCA2 DNA repair associated; plus strand). Cytogenetic location: 13q13.1.
Variant type: single nucleotide variant.
Coding change: c.587G>T on transcript NM_000059.4 (MANE Select); coding-DNA position 587, G replaced by T.
Protein change: p.Ser196Ile; replaces serine 196 with isoleucine.
Molecular consequence: missense variant.
Genome position (GRCh38, 1-based): chr13:32,326,569, G>T. VCF-style: chr13-32326569-G-T. GRCh37 (hg19) VCF-style: chr13-32900706-G-T.
Other names: short protein forms S196I.
Identifiers: ClinVar variation 51959 (VCV000051959.32), dbSNP rs80358818, ClinGen allele CA023332.

ClinVar aggregate classification (germline): Uncertain significance. Review status: criteria provided, multiple submitters, no conflicts (2 of 4 stars). 10 submissions from 9 submitters: Uncertain significance (8). 2 of the submissions do not count toward it. Last evaluated 2025-10-14.

Conditions:
Hereditary breast ovarian cancer syndrome. Also called: Hereditary breast and ovarian cancer syndrome; Hereditary breast and ovarian cancer; Hereditary breast and ovarian cancer syndrome (HBOC); Breast and ovarian cancer; Hereditary breast and/or ovarian cancer syndrome; BRCA1- and BRCA2-Associated Hereditary Breast and Ovarian Cancer. Identifiers: Orphanet 145, MedGen C0677776, MeSH D061325, MONDO:0003582. Disease mechanism: loss of function.
Hereditary cancer-predisposing syndrome. Also called: Neoplastic Syndromes, Hereditary; Tumor predisposition; Hereditary neoplastic syndrome; Hereditary Cancer Syndrome. Identifiers: Orphanet 140162, MedGen C0027672, MeSH D009386, MONDO:0015356.
Fanconi anemia complementation group D1. Also called: BRCA2-Related Fanconi Anemia. Identifiers: Orphanet 319462, MedGen C1838457, MONDO:0011584, OMIM 605724.
Breast-ovarian cancer, familial, susceptibility to, 2 (BROVCA2). Also called: BRCA2 Hereditary Breast and Ovarian Cancer. Identifiers: Orphanet 145, MedGen C2675520, MONDO:0012933, OMIM 612555. Disease mechanism: loss of function.

Allele frequency attached by ClinVar (database versions not stated): gnomAD exomes below 0.00001.
gnomAD v4.1: 11 of 1,613,710 alleles (0.00068%); highest among the groups gnomAD compares: East Asian, 0.022%; no homozygotes.

Submissions (10):

Labcorp Genetics (formerly Invitae), Labcorp
Classification: Uncertain significance for Hereditary breast ovarian cancer syndrome. Last evaluated: 2025-10-14. Review status: criteria provided, single submitter. Criteria: Invitae Variant Classification Sherloc (09022015). Collection method: clinical testing. Allele origin: germline.
Comment: This sequence change replaces serine, which is neutral and polar, with isoleucine, which is neutral and non-polar, at codon 196 of the BRCA2 protein (p.Ser196Ile). This variant is present in population databases (rs80358818, gnomAD no frequency). This missense change has been observed in individual(s) with breast cancer (PMID: 21218378, 30287823). ClinVar contains an entry for this variant (Variation ID: 51959). Invitae Evidence Modeling of protein sequence and biophysical properties (such as structural, functional, and spatial information, amino acid conservation, physicochemical variation, residue mobility, and thermodynamic stability) indicates that this missense variant is not expected to disrupt BRCA2 protein function with a negative predictive value of 95%. RNA analysis performed to evaluate the impact of this missense change on mRNA splicing indicates it does not significantly alter splicing (internal data). In summary, the available evidence is currently insufficient to determine the role of this variant in disease. Therefore, it has been classified as a Variant of Uncertain Significance.

Ambry Genetics
Classification: Uncertain significance for Hereditary cancer-predisposing syndrome. Last evaluated: 2025-05-23. Review status: criteria provided, single submitter. Criteria: Ambry Variant Classification Scheme 2023. Collection method: clinical testing. Allele origin: germline.
Comment: The p.S196I variant (also known as c.587G>T), located in coding exon 6 of the BRCA2 gene, results from a G to T substitution at nucleotide position 587. The serine at codon 196 is replaced by isoleucine, an amino acid with dissimilar properties. This alteration was observed with an allele frequency of 0.00028 in 7051 unselected female breast cancer patients and was observed with an allele frequency of 0.00027 in 11241 female controls of Japanese ancestry. In addition, it was not observed in unselected male breast cancer patients and was observed with an allele frequency of 0.006 in 12490 male controls of Japanese ancestry (Momozawa Y et al. Nat Commun, 2018 10;9:4083). This alteration was also observed in a Japanese population cohort of 2049 individuals who underwent whole-genome sequencing (Yamaguchi-Kabata Y et al. J Hum Genet, 2018 Feb;63:213-230). This alteration was shown to cause slightly increased exon skipping in splicing mini gene assays (Gaildrat P et al. J Med Genet, 2012 Oct;49:609-17; Di Giacomo D et al. Hum Mutat. 2013 Nov;34(11):1547-57). This amino acid position is highly conserved in available vertebrate species. In addition, this alteration is predicted to be tolerated by in silico analysis. Since supporting evidence is limited at this time, the clinical significance of this alteration remains unclear.

All of Us Research Program, National Institutes of Health
Classification: Uncertain significance for Breast-ovarian cancer, familial, susceptibility to, 2. Last evaluated: 2024-01-11. Review status: criteria provided, single submitter. Criteria: ACMG Guidelines, 2015. Collection method: clinical testing. Allele origin: germline. Inheritance: Autosomal dominant inheritance. Observed: 1 variant allele, 1 heterozygote.
Comment: This missense variant replaces serine with isoleucine at codon 196 of the BRCA2 protein. Computational prediction suggests that this variant may not impact protein structure and function (internally defined REVEL score threshold <= 0.5, PMID: 27666373). This variant alters a serine residue that is thought to be involved in BRCA2 interaction with p300/CBP-associated factor (PMID: 12815053, 23704879). Mini-gene assays have reported that this variant causes skipping of exon 7, but over 70% of the transcripts retained exon 7 (PMID: 22962691, 26761715). This variant has shown insignificant association with female breast cancer in a large Japanese case-control study (2/705 cases and 3/11241 controls, OR=1.06, 95% CI 0.1-9.3; PMID 30287823). This variant has been identified in 1/251402 chromosomes in the general population by the Genome Aggregation Database (gnomAD). The available evidence is insufficient to determine the role of this variant in disease conclusively. Therefore, this variant is classified as a Variant of Uncertain Significance.

This study involves interpretation of variants in research participants for the purpose of population health screening. Participant phenotype was not available at the time of variant classification. Additional details can be found in publication PMID: 35346344, PMCID: PMC8962531

GeneDx
Classification: Uncertain significance. Last evaluated: 2023-10-27. Review status: criteria provided, single submitter. Criteria: GeneDx Variant Classification Process June 2021. Collection method: clinical testing. Allele origin: germline. Affected: yes.
Comment: Identified in individuals with breast cancer as well as unaffected controls (PMID: 21218378, 30287823); Published functional studies demonstrate disrupted phosphorylation and binding of TGFBR2 and ACVR2B at the Ser193 position (PMID: 23704879); Published functional studies demonstrate aberrant splicing in a minority of transcripts (PMID: 23983145); Not observed at a significant frequency in large population cohorts (gnomAD); In silico analysis supports that this missense variant does not alter protein structure/function; Also known as 815G>T; This variant is associated with the following publications: (PMID: 10923033, 23704879, 21218378, 26761715, 30287823, 29192238, 32377563, 29884841, 33428613, 35373174, 23983145)

Color Diagnostics, LLC DBA Color Health
Classification: Uncertain significance for Hereditary cancer-predisposing syndrome. Last evaluated: 2021-09-16. Review status: criteria provided, single submitter. Criteria: ACMG Guidelines, 2015. Collection method: clinical testing. Allele origin: germline.
Comment: This missense variant replaces serine with isoleucine at codon 196 of the BRCA2 protein. Computational prediction suggests that this variant may not impact protein structure and function (internally defined REVEL score threshold <= 0.5, PMID: 27666373). This variant alters a serine residue that is thought to be involved in BRCA2 interaction with p300/CBP-associated factor (PMID: 12815053, 23704879). Mini-gene assays have reported that this variant causes skipping of exon 7, but over 70% of the transcripts retained exon 7 (PMID: 22962691, 26761715). This variant has shown insignificant association with female breast cancer in a large Japanese case-control study (2/705 cases and 3/11241 controls, OR=1.06, 95% CI 0.1-9.3; PMID 30287823). This variant has been identified in 1/251402 chromosomes in the general population by the Genome Aggregation Database (gnomAD). The available evidence is insufficient to determine the role of this variant in disease conclusively. Therefore, this variant is classified as a Variant of Uncertain Significance.

Women's Health and Genetics/Laboratory Corporation of America, LabCorp
Classification: Uncertain significance. Last evaluated: 2019-11-27. Review status: criteria provided, single submitter. Criteria: LabCorp Variant Classification Summary - May 2015. Collection method: clinical testing. Allele origin: germline.
Comment: Variant summary: BRCA2 c.587G>T (p.Ser196Ile) results in a non-conservative amino acid change in the encoded protein sequence. Four of five in-silico tools predict a damaging effect of the variant on protein function. The variant allele was found at a frequency of 4e-06 in 251402 control chromosomes (gnomAD). The available data on variant occurrences in the general population are insufficient to allow any conclusion about variant significance. c.587G>T has been reported in the literature in individuals affected with Hereditary Breast and Ovarian Cancer. The variant, c.587G>T, has been reported in the literature in several individuals of Japanese ancestry, and was found in both patients affected with breast cancer, and healthy controls (Momozawa 2018). These report(s) do not provide unequivocal conclusions about association of the variant with Hereditary Breast and Ovarian Cancer. At least one publication reports experimental evidence evaluating an impact exon 7 skipping, however, does not allow convincing conclusions about the variant effect (Di Giacomo_2013). Three other clinical diagnostic laboratories have submitted clinical-significance assessments for this variant to ClinVar after 2014 without evidence for independent evaluation, and all of them classified the variant as uncertain significance. Based on the evidence outlined above, the variant was classified as uncertain significance.

Illumina Laboratory Services, Illumina
Classification: Uncertain significance for Breast-ovarian cancer, familial, susceptibility to, 2. Last evaluated: 2017-06-13. Review status: criteria provided, single submitter. Criteria: ICSL Variant Classification Criteria 13 December 2019. Collection method: clinical testing. Allele origin: germline.
Comment: This variant was observed as part of a predisposition screen in an ostensibly healthy population. A literature search was performed for the gene, cDNA change, and amino acid change (where applicable). Publications were found based on this search. However, the evidence from the literature, in combination with allele frequency data from public databases where available, was not sufficient to rule this variant in or out of causing disease. Therefore, this variant is classified as a variant of unknown significance.

Illumina Laboratory Services, Illumina
Classification: Uncertain significance for Fanconi anemia complementation group D1. Last evaluated: 2017-06-13. Review status: criteria provided, single submitter. Criteria: ICSL Variant Classification Criteria 13 December 2019. Collection method: clinical testing. Allele origin: germline.

Counsyl
Classification: Uncertain significance for Breast-ovarian cancer, familial, susceptibility to, 2. Last evaluated: 2016-09-20. Review status: no assertion criteria provided. Collection method: clinical testing. Allele origin: unknown. Not counted in ClinVar's aggregate classification.

Breast Cancer Information Core (BIC) (BRCA2)
Classification: Uncertain significance for Breast-ovarian cancer, familial 2. Last evaluated: 2003-12-23. Review status: no assertion criteria provided. Collection method: clinical testing. Allele origin: germline. Affected: yes. Observed: 1 variant allele. Not counted in ClinVar's aggregate classification.

Literature cited by the submitters: PubMed 21218378 (cited by 4 submitters); PubMed 30287823 (cited by 3 submitters); PubMed 22962691 (cited by 4 submitters); PubMed 29192238 (cited by Ambry Genetics); PubMed 12815053 (cited by All of Us Research Program, National Institutes of Health and Color Diagnostics, LLC DBA Color Health); PubMed 23704879 (cited by 5 submitters); PubMed 26761715 (cited by 3 submitters); PubMed 23983145 (cited by 3 submitters).